The following is an entry in ClinVar:

ClinVar aggregate classification (germline): Likely pathogenic (1 of 4 stars; one submission).

Conditions:
Alstrom syndrome (ALMS). Identifiers: Orphanet 64, MedGen C0268425, MONDO:0008763, OMIM 203800.

Submission:

Natera, Inc.
Classification: Likely pathogenic for Alstrom syndrome. Last evaluated: 2024-05-14. Review status: criteria provided, single submitter. Criteria: Natera Variant Classification Schema (03/2026). Collection method: clinical testing. Allele origin: germline.
Comment: The c.3517del variant in ALMS1 is a frameshift variant predicted to shift the reading frame beginning at codon 1173 and leads to a stop codon 92 codons downstream. This variant is expected to result in nonsense mediated decay, truncation, or a dysfunctional protein product. This variant is rare in the general population with a frequency below the threshold expected for the associated phenotype(s). Given the available evidence, this variant is classified as Likely Pathogenic.

NM_001378454.1(ALMS1):c.3514del (p.Ser1172fs)

Gene: ALMS1 (ALMS1 centrosome and basal body associated protein; plus strand). Cytogenetic location: 2p13.1.
Variant type: Deletion.
Coding change: c.3514del on transcript NM_001378454.1 (MANE Select); coding-DNA position 3514, one base deleted (T; older notation c.3514delT).
Protein change: p.Ser1172fs; shifts the reading frame from serine 1172.
Molecular consequence: frameshift variant.
Genome position (GRCh38, 1-based): chr2:73,450,041, T deleted; the last of 3 consecutive T bases (chr2:73,450,039-73,450,041); deleting any one gives the same sequence. VCF-style (leftmost placement, unchanged base first): chr2-73450038-GT-G. GRCh37 (hg19) VCF-style: chr2-73677165-GT-G.
Other names: c.3517del, p.Ser1173fs (NM_015120.4); short protein forms S1172fs, S1173fs.
Identifiers: ClinVar variation 4815780 (VCV004815780.1).